The following is an entry in ClinVar:

NM_001365536.1(SCN9A):c.1930C>A (p.Leu644Ile)

Genes: SCN9A (sodium voltage-gated channel alpha subunit 9; minus strand), SCN1A-AS1 (SCN1A and SCN9A antisense RNA 1; plus strand). Cytogenetic location: 2q24.3.
Variant type: single nucleotide variant.
Coding change: c.1930C>A on transcript NM_001365536.1 (MANE Select); coding-DNA position 1930, C replaced by A.
Protein change: p.Leu644Ile; replaces leucine 644 with isoleucine.
Molecular consequence: missense variant.
Genome position (GRCh38, 1-based): chr2:166,284,497, G>T on the plus strand (C>A on the coding strand, the complement: SCN9A is on the minus strand). VCF-style: chr2-166284497-G-T. GRCh37 (hg19) VCF-style: chr2-167141007-G-T.
Other names: c.1930C>A, p.Leu644Ile (NM_002977.4); short protein forms L644I.
Identifiers: ClinVar variation 3755723 (VCV003755723.2).

ClinVar aggregate classification (germline): Uncertain significance (1 of 4 stars; one submission).

Conditions:
Neuropathy, hereditary sensory and autonomic, type 2A (HSAN2A). Also called: MORVAN DISEASE; NEUROPATHY, CONGENITAL SENSORY; NEUROPATHY, HEREDITARY SENSORY RADICULAR, AUTOSOMAL RECESSIVE; NEUROPATHY, HEREDITARY SENSORY, TYPE IIA; NEUROPATHY, PROGRESSIVE SENSORY, OF CHILDREN; ACROOSTEOLYSIS, GIACCAI TYPE. Identifiers: Orphanet 970, MedGen C2752089, MONDO:0024309, OMIM 201300.
Generalized epilepsy with febrile seizures plus, type 7 (GEFSP7). Also called: GEFS+, TYPE 7. Identifiers: Orphanet 36387, MedGen C2751778, MONDO:0013470, OMIM 613863.

Submission:

Labcorp Genetics (formerly Invitae), Labcorp
Classification: Uncertain significance for Neuropathy, hereditary sensory and autonomic, type 2A; Generalized epilepsy with febrile seizures plus, type 7. Last evaluated: 2024-04-06. Review status: criteria provided, single submitter. Criteria: Invitae Variant Classification Sherloc (09022015). Collection method: clinical testing. Allele origin: germline.
Comment: This sequence change replaces leucine, which is neutral and non-polar, with isoleucine, which is neutral and non-polar, at codon 644 of the SCN9A protein (p.Leu644Ile). This variant is not present in population databases (gnomAD no frequency). This variant has not been reported in the literature in individuals affected with SCN9A-related conditions. Advanced modeling of protein sequence and biophysical properties (such as structural, functional, and spatial information, amino acid conservation, physicochemical variation, residue mobility, and thermodynamic stability) performed at Invitae indicates that this missense variant is not expected to disrupt SCN9A protein function with a negative predictive value of 95%. In summary, the available evidence is currently insufficient to determine the role of this variant in disease. Therefore, it has been classified as a Variant of Uncertain Significance.